The following is an entry in ClinVar:

NM_015141.4(GPD1L):c.320T>C (p.Ile107Thr)

Gene: GPD1L (glycerol-3-phosphate dehydrogenase 1 like; plus strand). Cytogenetic location: 3p22.3.
Variant type: single nucleotide variant.
Coding change: c.320T>C on transcript NM_015141.4 (MANE Select); coding-DNA position 320, T replaced by C.
Protein change: p.Ile107Thr; replaces isoleucine 107 with threonine.
Molecular consequence: missense variant.
Genome position (GRCh38, 1-based): chr3:32,138,681, T>C. VCF-style: chr3-32138681-T-C. GRCh37 (hg19) VCF-style: chr3-32180173-T-C.
Other names: c.320T>C (NM_015141.3); short protein forms I107T.
Identifiers: ClinVar variation 1039125 (VCV001039125.5), dbSNP rs374305150, ClinGen allele CA72567641.

ClinVar aggregate classification (germline): Uncertain significance. Review status: criteria provided, multiple submitters, no conflicts (2 of 4 stars). 2 submissions from 2 submitters: Uncertain significance (2). Last evaluated 2025-07-24.

Conditions:
Brugada syndrome. Also called: Sudden unexpected nocturnal death syndrome; Sudden unexplained nocturnal death syndrome; Sudden Unexplained Death Syndrome; Sudden Unexplained Nocturnal Death Syndrome (SUNDS). Identifiers: Orphanet 130, MedGen C1142166, MONDO:0015263.
Cardiovascular phenotype. Identifiers: MedGen CN230736.

Allele frequency attached by ClinVar (database versions not stated): gnomAD exomes below 0.00001; TOPMed below 0.00001; ESP Exome Variant Server 0.00008.

Submissions (2):

Ambry Genetics
Classification: Uncertain significance for Cardiovascular phenotype. Last evaluated: 2025-07-24. Review status: criteria provided, single submitter. Criteria: Ambry Variant Classification Scheme 2023. Collection method: clinical testing. Allele origin: germline.
Comment: The p.I107T variant (also known as c.320T>C), located in coding exon 3 of the GPD1L gene, results from a T to C substitution at nucleotide position 320. The isoleucine at codon 107 is replaced by threonine, an amino acid with similar properties. This amino acid position is conserved. In addition, this alteration is predicted to be tolerated by in silico analysis. Based on the available evidence, the clinical significance of this variant remains unclear.

Labcorp Genetics (formerly Invitae), Labcorp
Classification: Uncertain significance for Brugada syndrome. Last evaluated: 2020-01-23. Review status: criteria provided, single submitter. Criteria: Invitae Variant Classification Sherloc (09022015). Collection method: clinical testing. Allele origin: germline.
Comment: This variant has not been reported in the literature in individuals with GPD1L-related conditions. This variant is not present in population databases (ExAC no frequency). This sequence change replaces isoleucine with threonine at codon 107 of the GPD1L protein (p.Ile107Thr). The isoleucine residue is weakly conserved and there is a moderate physicochemical difference between isoleucine and threonine. In summary, the available evidence is currently insufficient to determine the role of this variant in disease. Therefore, it has been classified as a Variant of Uncertain Significance. Algorithms developed to predict the effect of missense changes on protein structure and function (SIFT, PolyPhen-2, Align-GVGD) all suggest that this variant is likely to be disruptive, but these predictions have not been confirmed by published functional studies and their clinical significance is uncertain.